The following is an entry in ClinVar:

NM_080632.3(UPF3B):c.659G>A (p.Arg220Lys)

Gene: UPF3B (UPF3B regulator of nonsense mediated mRNA decay; minus strand). Cytogenetic location: Xq24.
Variant type: single nucleotide variant.
Coding change: c.659G>A on transcript NM_080632.3 (MANE Select); coding-DNA position 659, G replaced by A.
Protein change: p.Arg220Lys; replaces arginine 220 with lysine.
Molecular consequence: missense variant.
Genome position (GRCh38, 1-based): chrX:119,841,224, C>T on the plus strand (G>A on the coding strand, the complement: UPF3B is on the minus strand). VCF-style: chrX-119841224-C-T. GRCh37 (hg19) VCF-style: chrX-118975187-C-T.
Other names: c.659G>A, p.Arg220Lys (NM_023010.4); short protein forms R220K.
Identifiers: ClinVar variation 2895118 (VCV002895118.3), dbSNP rs774086911, ClinGen allele CA10503282.

ClinVar aggregate classification (germline): Uncertain significance (1 of 4 stars; one submission).

Conditions:
Intellectual developmental disorder, X-linked, syndromic 14. Also called: Syndromic X-linked intellectual disability 14. Identifiers: Orphanet 776, MedGen C1970822, MONDO:0010398, OMIM 300676.

Allele frequency attached by ClinVar (database versions not stated): gnomAD exomes 0.00001; ExAC 0.00002; gnomAD 0.00002.
gnomAD v4.1: 16 of 1,180,402 alleles (0.0014%); highest among the groups gnomAD compares: South Asian, 0.02%; 1 homozygote.

Submission:

Labcorp Genetics (formerly Invitae), Labcorp
Classification: Uncertain significance for Intellectual developmental disorder, X-linked, syndromic 14. Last evaluated: 2025-02-17. Review status: criteria provided, single submitter. Criteria: Invitae Variant Classification Sherloc (09022015). Collection method: clinical testing. Allele origin: germline.
Comment: This sequence change replaces arginine, which is basic and polar, with lysine, which is basic and polar, at codon 220 of the UPF3B protein (p.Arg220Lys). The frequency data for this variant in the population databases is considered unreliable, as metrics indicate poor data quality at this position in the gnomAD database. This variant has not been reported in the literature in individuals affected with UPF3B-related conditions. ClinVar contains an entry for this variant (Variation ID: 2895118). Invitae Evidence Modeling of protein sequence and biophysical properties (such as structural, functional, and spatial information, amino acid conservation, physicochemical variation, residue mobility, and thermodynamic stability) indicates that this missense variant is not expected to disrupt UPF3B protein function with a negative predictive value of 80%. In summary, the available evidence is currently insufficient to determine the role of this variant in disease. Therefore, it has been classified as a Variant of Uncertain Significance.